The following is an entry in ClinVar:

NM_005897.3(KLHL27):c.998G>A (p.Arg333Gln)

Gene: KLHL27 (kelch-like family member 27; minus strand). Cytogenetic location: 1p34.1.
Variant type: single nucleotide variant.
Coding change: c.998G>A on transcript NM_005897.3 (MANE Select); coding-DNA position 998, G replaced by A.
Protein change: p.Arg333Gln; replaces arginine 333 with glutamine.
Molecular consequence: missense variant.
Genome position (GRCh38, 1-based): chr1:45,727,681, C>T on the plus strand (G>A on the coding strand, the complement: KLHL27 is on the minus strand). VCF-style: chr1-45727681-C-T. GRCh37 (hg19) VCF-style: chr1-46193353-C-T.
Other names: c.998G>A, p.Arg333Gln (NM_001145349.2); short protein forms R333Q.
Identifiers: ClinVar variation 4854487 (VCV004854487.1).

ClinVar aggregate classification (germline): Uncertain significance (1 of 4 stars; one submission).

Conditions:
IPP-related disorder.

gnomAD v4.1: 26 of 1,595,118 alleles (0.0016%); highest among the groups gnomAD compares: South Asian, 0.014%; no homozygotes.

Submission:

3billion
Classification: Uncertain significance for IPP-related disorder. Last evaluated: 2025-05-02. Review status: criteria provided, single submitter. Criteria: ACMG Guidelines, 2015. Collection method: clinical testing. Allele origin: germline. Affected: yes.
Comment: The variant is observed at an extremely low frequency in the gnomAD v4.1.0 dataset (total allele frequency: 0.002%). Predicted Consequence/Location: Missense variant In silico tool predictions suggest damaging effect of the variant on gene or gene product [REVEL: 0.81 (>=0.6, sensitivity 0.68 and specificity 0.92)]. Therefore, this variant is classified as VUS according to the recommendation of ACMG/AMP guideline.